The following is an entry in ClinVar:

NM_206933.4(USH2A):c.14272C>T (p.Pro4758Ser)

Gene: USH2A (usherin; minus strand). Cytogenetic location: 1q41.
Variant type: single nucleotide variant.
Coding change: c.14272C>T on transcript NM_206933.4 (MANE Select); coding-DNA position 14272, C replaced by T.
Protein change: p.Pro4758Ser; replaces proline 4758 with serine.
Molecular consequence: missense variant.
Genome position (GRCh38, 1-based): chr1:215,650,663, G>A on the plus strand (C>T on the coding strand, the complement: USH2A is on the minus strand). VCF-style: chr1-215650663-G-A. GRCh37 (hg19) VCF-style: chr1-215824005-G-A.
Other names: short protein forms P4758S.
Identifiers: ClinVar variation 1382953 (VCV001382953.6), dbSNP rs1159107276, ClinGen allele CA344835238.

ClinVar aggregate classification (germline): Uncertain significance (1 of 4 stars; one submission).

Submission:

Labcorp Genetics (formerly Invitae), Labcorp
Classification: Uncertain significance. Last evaluated: 2022-05-17. Review status: criteria provided, single submitter. Criteria: Invitae Variant Classification Sherloc (09022015). Collection method: clinical testing. Allele origin: germline.
Comment: In summary, the available evidence is currently insufficient to determine the role of this variant in disease. Therefore, it has been classified as a Variant of Uncertain Significance. Algorithms developed to predict the effect of missense changes on protein structure and function are either unavailable or do not agree on the potential impact of this missense change (SIFT: "Deleterious"; PolyPhen-2: "Probably Damaging"; Align-GVGD: "Class C0"). This variant has not been reported in the literature in individuals affected with USH2A-related conditions. This variant is not present in population databases (gnomAD no frequency). This sequence change replaces proline, which is neutral and non-polar, with serine, which is neutral and polar, at codon 4758 of the USH2A protein (p.Pro4758Ser).